The following is an entry in ClinVar:

NM_001376.5(DYNC1H1):c.13372+4C>T

Gene: DYNC1H1 (dynein cytoplasmic 1 heavy chain 1; plus strand). Cytogenetic location: 14q32.31.
Variant type: single nucleotide variant.
Coding change: c.13372+4C>T on transcript NM_001376.5 (MANE Select); 4 bases into the intron after coding-DNA position 13372, C replaced by T.
Molecular consequence: intron variant.
Genome position (GRCh38, 1-based): chr14:102,048,673, C>T. VCF-style: chr14-102048673-C-T. GRCh37 (hg19) VCF-style: chr14-102515010-C-T.
Other names: p.?.
Identifiers: ClinVar variation 128931 (VCV000128931.32), dbSNP rs17541657, ClinGen allele CA152634.

ClinVar aggregate classification (germline): Benign. Review status: criteria provided, multiple submitters, no conflicts (2 of 4 stars). 13 submissions from 12 submitters: Benign (9). 4 of the submissions do not count toward it. Last evaluated 2026-02-03.

Conditions:
Autosomal dominant cerebellar ataxia. Also called: Spinocerebellar Ataxia, Dominant. Identifiers: Orphanet 99, MedGen C4087347, MONDO:0020380.
Charcot-Marie-Tooth disease. Also called: Charcot-Marie-Tooth Neuropathy; Charcot-Marie-Tooth Hereditary Neuropathy. Identifiers: Orphanet 166, MedGen C0007959, MONDO:0015626.
Inborn genetic diseases. Identifiers: MedGen C0950123, MeSH D030342.
Charcot-Marie-Tooth disease axonal type 2O. Also called: CHARCOT-MARIE-TOOTH NEUROPATHY, AXONAL, TYPE 2O; CHARCOT-MARIE-TOOTH DISEASE, AXONAL, AUTOSOMAL DOMINANT, TYPE 2O; Charcot-Marie-Tooth Neuropathy Type 2O; Charcot-Marie-Tooth disease, axonal, type 20. Identifiers: Orphanet 284232, MedGen C3280220, MONDO:0013644, OMIM 614228.

Allele frequency attached by ClinVar (database versions not stated): gnomAD exomes 0.00384 and 0.00976; ExAC 0.01238; 1000 Genomes Project 0.03834; gnomAD 0.03863 and 0.04171; 1000 Genomes Project 30x 0.04279; TOPMed 0.04331; ESP Exome Variant Server 0.04406.
gnomAD v4.1: 11,694 of 1,612,364 alleles (0.73%); highest among the groups gnomAD compares: African/African-American, 13%; 691 homozygotes.

Submissions (13):

Labcorp Genetics (formerly Invitae), Labcorp
Classification: Benign for Charcot-Marie-Tooth disease axonal type 2O. Last evaluated: 2026-02-03. Review status: criteria provided, single submitter. Criteria: Invitae Variant Classification Sherloc (09022015). Collection method: clinical testing. Allele origin: germline.

Athena Diagnostics
Classification: Benign. Last evaluated: 2025-03-03. Review status: criteria provided, single submitter. Criteria: Athena Diagnostics Criteria. Collection method: clinical testing. Allele origin: unknown.
Comment: The frequency of this variant in the general population is higher than would generally be expected for pathogenic variants in this gene.

Illumina Laboratory Services, Illumina
Classification: Benign for Spinocerebellar Ataxia, Dominant. Last evaluated: 2018-01-13. Review status: criteria provided, single submitter. Criteria: ICSL Variant Classification Criteria 13 December 2019. Collection method: clinical testing. Allele origin: germline.
Comment: This variant was observed in the ICSL laboratory as part of a predisposition screen in an ostensibly healthy population. It had not been previously curated by ICSL or reported in the Human Gene Mutation Database (HGMD: prior to June 1st, 2018), and was therefore a candidate for classification through an automated scoring system. Utilizing variant allele frequency, disease prevalence and penetrance estimates, and inheritance mode, an automated score was calculated to assess if this variant is too frequent to cause the disease. Based on the score and internal cut-off values, a variant classified as benign is not then subjected to further curation. The score for this variant resulted in a classification of benign for this disease.

Illumina Laboratory Services, Illumina
Classification: Benign for Charcot-Marie-Tooth disease axonal type 2O. Last evaluated: 2018-01-13. Review status: criteria provided, single submitter. Criteria: ICSL Variant Classification Criteria 13 December 2019. Collection method: clinical testing. Allele origin: germline.
Comment: the same text as in the submission from Illumina Laboratory Services, Illumina above.

Mayo Clinic Laboratories, Mayo Clinic
Classification: Benign. Last evaluated: 2017-02-07. Review status: criteria provided, single submitter. Criteria: ACMG Guidelines, 2015. Collection method: clinical testing. Allele origin: germline. Observed: 27 variant alleles.

Ambry Genetics
Classification: Benign for Inborn genetic diseases. Last evaluated: 2016-03-02. Review status: criteria provided, single submitter. Criteria: Ambry Variant Classification Scheme 2023. Collection method: clinical testing. Allele origin: germline.

GeneDx
Classification: Benign. Last evaluated: 2015-03-03. Review status: criteria provided, single submitter. Criteria: GeneDx Variant Classification Process June 2021. Collection method: clinical testing. Allele origin: germline. Affected: yes.

Breakthrough Genomics
Classification: Benign. Review status: criteria provided, single submitter. Criteria: ACMG Guidelines, 2015. Collection method: not provided. Allele origin: germline. Inheritance: Autosomal dominant inheritance. Affected: yes.

Molecular Genetics Laboratory, London Health Sciences Centre
Classification: Benign for Charcot-Marie-Tooth disease. Review status: criteria provided, single submitter. Criteria: ACMG Guidelines, 2015. Collection method: clinical testing. Allele origin: germline. Affected: yes.

Clinical Genetics DNA and cytogenetics Diagnostics Lab, Erasmus MC, Erasmus Medical Center
Classification: Benign. Review status: no assertion criteria provided. Collection method: clinical testing. Allele origin: germline. Affected: yes. Study: VKGL Data-share Consensus. Not counted in ClinVar's aggregate classification.

Clinical Genetics, Academic Medical Center
Classification: Benign. Review status: no assertion criteria provided. Collection method: clinical testing. Allele origin: germline. Affected: yes. Study: VKGL Data-share Consensus. Not counted in ClinVar's aggregate classification.

Genetic Services Laboratory, University of Chicago
Classification: Likely benign for AllHighlyPenetrant. Review status: no assertion criteria provided. Collection method: clinical testing. Allele origin: germline. Inheritance: Autosomal dominant inheritance. Not counted in ClinVar's aggregate classification.
Comment: Likely benign based on allele frequency in 1000 Genomes Project or ESP global frequency and its presence in a patient with a rare or unrelated disease phenotype. NOT Sanger confirmed.

Joint Genome Diagnostic Labs from Nijmegen and Maastricht, Radboudumc and MUMC+
Classification: Benign. Review status: no assertion criteria provided. Collection method: clinical testing. Allele origin: germline. Affected: yes. Study: VKGL Data-share Consensus. Not counted in ClinVar's aggregate classification.